The following is an entry in ClinVar:

ClinVar aggregate classification (germline): Likely pathogenic (1 of 4 stars; one submission).

Conditions:
Hearing loss, autosomal recessive 57. Also called: DEAFNESS, AUTOSOMAL RECESSIVE 57. Identifiers: MedGen C4693893, MONDO:0033201, OMIM 618003.

Submission:

First Genomix Gene Laboratory, Genetic Diagnostics Department
Classification: Likely pathogenic for Hearing loss, autosomal recessive 57. Last evaluated: 2025-05-23. Review status: criteria provided, single submitter. Criteria: ACMG Guidelines, 2015. Collection method: clinical testing. Allele origin: germline. Inheritance: Autosomal recessive inheritance. Affected: no. Observed: 1 variant allele.

NM_001195263.2(PDZD7):c.1798del (p.Ile600fs)

Gene: PDZD7 (PDZ domain containing 7; minus strand). Cytogenetic location: 10q24.31.
Variant type: Deletion.
Coding change: c.1798del on transcript NM_001195263.2 (MANE Select); coding-DNA position 1798, one base deleted (A; older notation c.1798delA).
Protein change: p.Ile600fs; shifts the reading frame from isoleucine 600.
Molecular consequence: frameshift variant.
Genome position (GRCh38, 1-based): chr10:101,012,210, T deleted on the plus strand (A on the coding strand, the reverse complement: PDZD7 is on the minus strand). VCF-style (leftmost placement, unchanged base first): chr10-101012209-AT-A. GRCh37 (hg19) VCF-style: chr10-102771966-AT-A.
Other names: c.1795del, p.Ile599fs (NM_001437429.1); c.1798delA (NM_001195263.2); short protein forms I599fs, I600fs.
Identifiers: ClinVar variation 4849468 (VCV004849468.1).
Genomic context (GRCh38, chr10:101,012,209, plus strand): 5'-TCTGCAACCTCCTCCCACCTGATGTCCTGCAGCAGTAGCAGCTTCTCCGGCCTGTCGAGG[AT>A]GGCCAGCAGGGGCCTCACCAGGTCCTCTATGCCTCCCTCGTGCACATACTGCAGATAGAG-3'